The following is an entry in ClinVar:

NM_018668.5(VPS33B):c.680A>G (p.His227Arg)

Gene: VPS33B (VPS33B late endosome and lysosome associated; minus strand). Cytogenetic location: 15q26.1.
Variant type: single nucleotide variant.
Coding change: c.680A>G on transcript NM_018668.5 (MANE Select); coding-DNA position 680, A replaced by G.
Protein change: p.His227Arg; replaces histidine 227 with arginine.
Molecular consequence: missense variant.
Genome position (GRCh38, 1-based): chr15:91,006,970, T>C on the plus strand (A>G on the coding strand, the complement: VPS33B is on the minus strand). VCF-style: chr15-91006970-T-C. GRCh37 (hg19) VCF-style: chr15-91550200-T-C.
Other names: c.599A>G, p.His200Arg (NM_001289148.1); c.407A>G, p.His136Arg (NM_001289149.1); c.680A>G (NM_018668.4); short protein forms H227R, H200R, H136R.
Identifiers: ClinVar variation 317426 (VCV000317426.10), dbSNP rs760894269, ClinGen allele CA7744960.
Genomic context (GRCh38, chr15:91,006,970, plus strand): 5'-CTAGGGCTGAAAGATGACAGGAACGCTGGGCATAATTTACCTCTGTCCAAGAGAAAGATA[T>C]GTCCAATCTCTGGCCTTCGGCCCTTGGTTTCGCCATCCTCCTCCTCCTCCAGGTTCCTCC-3'
Protein context (NP_061138.3, residues 217-237): ETKGRRPEIG[His227Arg]IFLLDRDVDF

ClinVar aggregate classification (germline): Conflicting classifications of pathogenicity. Review status: criteria provided, conflicting classifications (1 of 4 stars). 4 submissions from 4 submitters: Uncertain significance (1); Likely benign (3). Last evaluated 2026-02-10.

Conditions:
Arthrogryposis, renal dysfunction, and cholestasis 1 (ARCS1). Identifiers: Orphanet 2697, MedGen C1859722, MONDO:0008822, OMIM 208085.
VPS33B-related disorder. Also called: VPS33B-related condition.

Allele frequency attached by ClinVar (database versions not stated): gnomAD 0.00006 and 0.00007; TOPMed 0.00008.
gnomAD v4.1: 131 of 1,614,072 alleles (0.0081%); highest among the groups gnomAD compares: Non-Finnish European, 0.0014%; no homozygotes.

Submissions (4):

Women's Health and Genetics/Laboratory Corporation of America, LabCorp
Classification: Likely benign. Last evaluated: 2026-02-10. Review status: criteria provided, single submitter. Criteria: LabCorp Variant Classification Summary - May 2015. Collection method: clinical testing. Allele origin: germline.
Comment: Variant summary: VPS33B c.680A>G (p.His227Arg) results in a non-conservative amino acid change in the encoded protein sequence. Algorithms developed to predict the effect of missense changes on protein structure and function are either unavailable or do not agree on the potential impact of this missense change. The variant allele was found at a frequency of 8.2e-05 in 1607076 control chromosomes, predominantly at a frequency of 0.0034 within the Ashkenazi Jewish subpopulation in the gnomAD database. The observed variant frequency within Ashkenazi Jewish control individuals in the gnomAD database exceeds the estimated maximal expected allele frequency for disease-causing variants in VPS33B. To our knowledge, no occurrence of c.680A>G in individuals affected with VPS33B-related conditions and no experimental evidence demonstrating its impact on protein function have been reported. ClinVar contains an entry for this variant (Variation ID: 317426). Based on the evidence outlined above, the variant was classified as likely benign.

Labcorp Genetics (formerly Invitae), Labcorp
Classification: Likely benign. Last evaluated: 2025-11-04. Review status: criteria provided, single submitter. Criteria: Invitae Variant Classification Sherloc (09022015). Collection method: clinical testing. Allele origin: germline.

PreventionGenetics, part of Exact Sciences
Classification: Likely benign for VPS33B-related condition. Last evaluated: 2024-10-13. Review status: criteria provided, single submitter. Criteria: ACMG Guidelines, 2015. Collection method: clinical testing. Allele origin: germline.
Comment: This variant is classified as likely benign based on ACMG/AMP sequence variant interpretation guidelines (Richards et al. 2015 PMID: 25741868, with internal and published modifications).

Illumina Laboratory Services, Illumina
Classification: Uncertain significance for Arthrogryposis, renal dysfunction, and cholestasis 1. Last evaluated: 2018-01-13. Review status: criteria provided, single submitter. Criteria: ICSL Variant Classification Criteria 13 December 2019. Collection method: clinical testing. Allele origin: germline.